The following is an entry in ClinVar:

ClinVar aggregate classification (germline): Pathogenic (1 of 4 stars; one submission).

Submission:

Labcorp Genetics (formerly Invitae), Labcorp
Classification: Pathogenic. Last evaluated: 2025-10-15. Review status: criteria provided, single submitter. Criteria: Invitae Variant Classification Sherloc (09022015). Collection method: clinical testing. Allele origin: germline.
Comment: This sequence change creates a premature translational stop signal (p.Phe465Cysfs*78) in the CDT1 gene. While this is not anticipated to result in nonsense mediated decay, it is expected to disrupt the last 82 amino acid(s) of the CDT1 protein. This variant is present in population databases (rs769002955, gnomAD 0.007%). This variant has not been reported in the literature in individuals affected with CDT1-related conditions. This variant disrupts a region of the CDT1 protein in which other variant(s) (p.Tyr520*) have been determined to be pathogenic (PMID: 21358632). This suggests that this is a clinically significant region of the protein, and that variants that disrupt it are likely to be disease-causing. For these reasons, this variant has been classified as Pathogenic.

Literature cited by the submitters: PubMed 21358632.

NM_030928.4(CDT1):c.1394_1395del (p.Phe465fs)

Gene: CDT1 (chromatin licensing and DNA replication factor 1; plus strand). Cytogenetic location: 16q24.3.
Variant type: Deletion.
Coding change: c.1394_1395del on transcript NM_030928.4 (MANE Select); coding-DNA positions 1394 to 1395, 2 bases deleted (TT; older notation c.1394_1395delTT).
Protein change: p.Phe465fs; shifts the reading frame from phenylalanine 465.
Molecular consequence: frameshift variant.
Genome position (GRCh38, 1-based): chr16:88,807,399-88,807,400, TT deleted; deleting any 2 consecutive bases within chr16:88,807,398-88,807,400 gives the same sequence; the c. name uses the placement nearest the transcript's 3' end. VCF-style (leftmost placement, unchanged base first): chr16-88807397-CTT-C. GRCh37 (hg19) VCF-style: chr16-88873805-CTT-C.
Other names: short protein forms F465fs.
Identifiers: ClinVar variation 4738120 (VCV004738120.1).